The following is an entry in ClinVar:

ClinVar aggregate classification (germline): Uncertain significance. Review status: criteria provided, multiple submitters, no conflicts (2 of 4 stars). 2 submissions from 2 submitters: Uncertain significance (2). Last evaluated 2025-12-24.

Conditions:
Hereditary cancer-predisposing syndrome. Also called: Neoplastic Syndromes, Hereditary; Tumor predisposition; Hereditary Cancer Syndrome; Hereditary neoplastic syndrome. Identifiers: Orphanet 140162, MedGen C0027672, MeSH D009386, MONDO:0015356.
EGFR-related lung cancer (EGFR). Identifiers: MedGen CN130014.

gnomAD v4.1: 3 of 1,614,194 alleles (0.00019%); highest among the groups gnomAD compares: Admixed American, 0.0017%; no homozygotes.

Submissions (2):

Ambry Genetics
Classification: Uncertain significance for Hereditary cancer-predisposing syndrome. Last evaluated: 2025-12-24. Review status: criteria provided, single submitter. Criteria: Ambry Variant Classification Scheme 2023. Collection method: clinical testing. Allele origin: germline.

Labcorp Genetics (formerly Invitae), Labcorp
Classification: Uncertain significance for EGFR-related lung cancer. Last evaluated: 2025-03-07. Review status: criteria provided, single submitter. Criteria: Invitae Variant Classification Sherloc (09022015). Collection method: clinical testing. Allele origin: germline.
Comment: This sequence change replaces alanine, which is neutral and non-polar, with serine, which is neutral and polar, at codon 822 of the EGFR protein (p.Ala822Ser). This variant is not present in population databases (gnomAD no frequency). This variant has not been reported in the literature in individuals affected with EGFR-related conditions. ClinVar contains an entry for this variant (Variation ID: 1947975). Invitae Evidence Modeling of protein sequence and biophysical properties (such as structural, functional, and spatial information, amino acid conservation, physicochemical variation, residue mobility, and thermodynamic stability) indicates that this missense variant is expected to disrupt EGFR protein function with a positive predictive value of 80%. In summary, the available evidence is currently insufficient to determine the role of this variant in disease. Therefore, it has been classified as a Variant of Uncertain Significance.

NM_005228.5(EGFR):c.2464G>T (p.Ala822Ser)

Genes: EGFR (epidermal growth factor receptor; plus strand), EGFR-AS1 (EGFR antisense RNA 1; minus strand). Cytogenetic location: 7p11.2.
Variant type: single nucleotide variant.
Coding change: c.2464G>T on transcript NM_005228.5 (MANE Select); coding-DNA position 2464, G replaced by T.
Protein change: p.Ala822Ser; replaces alanine 822 with serine.
Molecular consequence: missense variant. On other transcripts: non-coding transcript variant (1).
Genome position (GRCh38, 1-based): chr7:55,181,473, G>T. VCF-style: chr7-55181473-G-T. GRCh37 (hg19) VCF-style: chr7-55249166-G-T.
Other names: c.2329G>T, p.Ala777Ser (NM_001346897.2, NM_001346899.2); c.2464G>T, p.Ala822Ser (NM_001346898.2); c.2305G>T, p.Ala769Ser (NM_001346900.2); c.1663G>T, p.Ala555Ser (NM_001346941.2); short protein forms A555S, A822S, A769S, A777S.
Identifiers: ClinVar variation 1947975 (VCV001947975.7), dbSNP rs397517125, ClinGen allele CA367579065.